The following is an entry in ClinVar:

NM_198253.3(TERT):c.3008A>G (p.Lys1003Arg)

Gene: TERT (telomerase reverse transcriptase; minus strand). Cytogenetic location: 5p15.33.
Variant type: single nucleotide variant.
Coding change: c.3008A>G on transcript NM_198253.3 (MANE Select); coding-DNA position 3008, A replaced by G.
Protein change: p.Lys1003Arg; replaces lysine 1003 with arginine.
Molecular consequence: missense variant. On other transcripts: non-coding transcript variant (2).
Genome position (GRCh38, 1-based): chr5:1,258,622, T>C on the plus strand (A>G on the coding strand, the complement: TERT is on the minus strand). VCF-style: chr5-1258622-T-C. GRCh37 (hg19) VCF-style: chr5-1258737-T-C.
Other names: c.2819A>G, p.Lys940Arg (NM_001193376.3); c.3008A>G, p.Lys1003Arg (NM_003219.1); short protein forms K1003R, K940R.
Identifiers: ClinVar variation 2454094 (VCV002454094.2), dbSNP rs2478106684, ClinGen allele CA359068853.

ClinVar aggregate classification (germline): Uncertain significance (1 of 4 stars; one submission).

Conditions:
Dyskeratosis congenita. Identifiers: Orphanet 1775, MedGen C0265965, MONDO:0015780.

Submission:

Ambry Genetics
Classification: Uncertain significance for Dyskeratosis congenita. Last evaluated: 2023-03-03. Review status: criteria provided, single submitter. Criteria: Ambry Variant Classification Scheme 2023. Collection method: clinical testing. Allele origin: germline.
Comment: The p.K1003R variant (also known as c.3008A>G), located in coding exon 13 of the TERT gene, results from an A to G substitution at nucleotide position 3008. The lysine at codon 1003 is replaced by arginine, an amino acid with highly similar properties. This amino acid position is conserved. In addition, this alteration is predicted to be tolerated by in silico analysis. Since supporting evidence is limited at this time, the clinical significance of this alteration remains unclear.